The following is an entry in ClinVar:

ClinVar aggregate classification (germline): Uncertain significance (1 of 4 stars; one submission).

Submission:

Labcorp Genetics (formerly Invitae), Labcorp
Classification: Uncertain significance. Last evaluated: 2023-11-25. Review status: criteria provided, single submitter. Criteria: Invitae Variant Classification Sherloc (09022015). Collection method: clinical testing. Allele origin: germline.
Comment: This sequence change replaces histidine, which is basic and polar, with arginine, which is basic and polar, at codon 346 of the PORCN protein (p.His346Arg). This variant is not present in population databases (gnomAD no frequency). This variant has not been reported in the literature in individuals affected with PORCN-related conditions. Advanced modeling of protein sequence and biophysical properties (such as structural, functional, and spatial information, amino acid conservation, physicochemical variation, residue mobility, and thermodynamic stability) performed at Invitae indicates that this missense variant is not expected to disrupt PORCN protein function with a negative predictive value of 80%. In summary, the available evidence is currently insufficient to determine the role of this variant in disease. Therefore, it has been classified as a Variant of Uncertain Significance.

NM_203475.3(PORCN):c.1037A>G (p.His346Arg)

Gene: PORCN (porcupine O-acyltransferase; plus strand). Cytogenetic location: Xp11.23.
Variant type: single nucleotide variant.
Coding change: c.1037A>G on transcript NM_203475.3 (MANE Select); coding-DNA position 1037, A replaced by G.
Protein change: p.His346Arg; replaces histidine 346 with arginine.
Molecular consequence: missense variant.
Genome position (GRCh38, 1-based): chrX:48,515,903, A>G. VCF-style: chrX-48515903-A-G. GRCh37 (hg19) VCF-style: chrX-48374291-A-G.
Other names: c.791A>G, p.His264Arg (NM_001282167.2); c.1004A>G, p.His335Arg (NM_022825.4); c.1022A>G, p.His341Arg (NM_203473.3); c.1019A>G, p.His340Arg (NM_203474.1); short protein forms H340R, H264R, H341R, H346R, H335R.
Identifiers: ClinVar variation 2699073 (VCV002699073.3), dbSNP rs2519481183, ClinGen allele CA412848665.